The following is an entry in ClinVar:

ClinVar aggregate classification (germline): Uncertain significance. Review status: criteria provided, multiple submitters, no conflicts (2 of 4 stars). 2 submissions from 2 submitters: Uncertain significance (2). Last evaluated 2026-01-19.

Conditions:
Hereditary cancer-predisposing syndrome. Also called: Hereditary neoplastic syndrome; Neoplastic Syndromes, Hereditary; Hereditary Cancer Syndrome; Tumor predisposition. Identifiers: Orphanet 140162, MedGen C0027672, MeSH D009386, MONDO:0015356.
Gastrointestinal stromal tumor. Also called: Gastrointestinal stromal tumor, somatic; Gastrointestinal stroma tumor. Identifiers: Orphanet 44890, MedGen C0238198, MeSH D046152, MONDO:0011719, OMIM 606764, HP:0100723.

gnomAD v4.1: 5 of 1,614,168 alleles (0.00031%); highest among the groups gnomAD compares: East Asian, 0.0089%; no homozygotes.

Submissions (2):

Labcorp Genetics (formerly Invitae), Labcorp
Classification: Uncertain significance for Gastrointestinal stromal tumor. Last evaluated: 2026-01-19. Review status: criteria provided, single submitter. Criteria: Invitae Variant Classification Sherloc (09022015). Collection method: clinical testing. Allele origin: germline.
Comment: This sequence change replaces isoleucine, which is neutral and non-polar, with valine, which is neutral and non-polar, at codon 538 of the KIT protein (p.Ile538Val). This variant is not present in population databases (gnomAD no frequency). This variant has not been reported in the literature in individuals affected with KIT-related conditions. ClinVar contains an entry for this variant (Variation ID: 568265). An algorithm developed to predict the effect of missense changes on protein structure and function outputs the following: PolyPhen-2: "Benign". The valine amino acid residue is found in multiple mammalian species, which suggests that this missense change does not adversely affect protein function. In summary, the available evidence is currently insufficient to determine the role of this variant in disease. Therefore, it has been classified as a Variant of Uncertain Significance.

Ambry Genetics
Classification: Uncertain significance for Hereditary cancer-predisposing syndrome. Last evaluated: 2025-08-08. Review status: criteria provided, single submitter. Criteria: Ambry Variant Classification Scheme 2023. Collection method: clinical testing. Allele origin: germline.
Comment: The p.I538V variant (also known as c.1612A>G), located in coding exon 10 of the KIT gene, results from an A to G substitution at nucleotide position 1612. The isoleucine at codon 538 is replaced by valine, an amino acid with highly similar properties. This amino acid position is conserved. In addition, this alteration is predicted to be tolerated by in silico analysis. Based on the available evidence, the clinical significance of this variant remains unclear.

NM_000222.3(KIT):c.1612A>G (p.Ile538Val)

Gene: KIT (KIT proto-oncogene, receptor tyrosine kinase; plus strand). Cytogenetic location: 4q12.
Variant type: single nucleotide variant.
Coding change: c.1612A>G on transcript NM_000222.3 (MANE Select); coding-DNA position 1612, A replaced by G.
Protein change: p.Ile538Val; replaces isoleucine 538 with valine.
Molecular consequence: missense variant.
Genome position (GRCh38, 1-based): chr4:54,727,289, A>G. VCF-style: chr4-54727289-A-G. GRCh37 (hg19) VCF-style: chr4-55593455-A-G.
Other names: c.1600A>G, p.Ile534Val (NM_001093772.2, NM_001385286.1); c.1615A>G, p.Ile539Val (NM_001385284.1, NM_001385290.1); c.1612A>G, p.Ile538Val (NM_001385285.1); c.1603A>G, p.Ile535Val (NM_001385288.1, NM_001385292.1); short protein forms I538V, I534V, I535V, I539V.
Identifiers: ClinVar variation 568265 (VCV000568265.8), dbSNP rs1560417124, ClinGen allele CA356907323.